The following is an entry in ClinVar:

ClinVar aggregate classification (germline): Uncertain significance (1 of 4 stars; one submission).

Conditions:
Spermatogenic failure 18. Identifiers: MedGen C4539783, MONDO:0054615, OMIM 617576.
Ciliary dyskinesia, primary, 37 (CILD37). Also called: CILIARY DYSKINESIA, PRIMARY, 37, WITH OR WITHOUT SITUS INVERSUS. Identifiers: MedGen C4539798, MONDO:0033204, OMIM 617577.

Submission:

Labcorp Genetics (formerly Invitae), Labcorp
Classification: Uncertain significance for Ciliary dyskinesia, primary, 37; Spermatogenic failure 18. Last evaluated: 2024-03-16. Review status: criteria provided, single submitter. Criteria: Invitae Variant Classification Sherloc (09022015). Collection method: clinical testing. Allele origin: germline.
Comment: This sequence change replaces valine, which is neutral and non-polar, with leucine, which is neutral and non-polar, at codon 3040 of the DNAH1 protein (p.Val3040Leu). This variant is not present in population databases (gnomAD no frequency). This variant has not been reported in the literature in individuals affected with DNAH1-related conditions. Advanced modeling of protein sequence and biophysical properties (such as structural, functional, and spatial information, amino acid conservation, physicochemical variation, residue mobility, and thermodynamic stability) has been performed at Invitae for this missense variant, however the output from this modeling did not meet the statistical confidence thresholds required to predict the impact of this variant on DNAH1 protein function. In summary, the available evidence is currently insufficient to determine the role of this variant in disease. Therefore, it has been classified as a Variant of Uncertain Significance.

NM_015512.5(DNAH1):c.9118G>T (p.Val3040Leu)

Gene: DNAH1 (dynein axonemal heavy chain 1; plus strand). Cytogenetic location: 3p21.1.
Variant type: single nucleotide variant.
Coding change: c.9118G>T on transcript NM_015512.5 (MANE Select); coding-DNA position 9118, G replaced by T.
Protein change: p.Val3040Leu; replaces valine 3040 with leucine.
Molecular consequence: missense variant.
Genome position (GRCh38, 1-based): chr3:52,388,281, G>T. VCF-style: chr3-52388281-G-T. GRCh37 (hg19) VCF-style: chr3-52422297-G-T.
Other names: short protein forms V3040L.
Identifiers: ClinVar variation 3755325 (VCV003755325.2).
Genomic context (GRCh38, chr3:52,388,281, plus strand): 5'-GAGTTCCAGCCAGCCACCATTGCCAAGGTGTCCAAGGCTTGCACCTCCATCTGCCAGTGG[G>T]TGCGCGCCATGCACAAGTACCACTTTGTGGCCAAGGCCGTGGAGCCCAAGCGGGTGAGGG-3'
Protein context (NP_056327.4, residues 3030-3050): SKACTSICQW[Val3040Leu]RAMHKYHFVA